The following is an entry in ClinVar:

ClinVar aggregate classification (germline): Uncertain significance (1 of 4 stars; one submission).

Conditions:
Retinoblastoma (RB1). Also called: RETINOBLASTOMA, SOMATIC. Identifiers: Orphanet 790, MedGen C0035335, MeSH D012175, MONDO:0008380, OMIM 180200, HP:0009919. Disease mechanism: loss of function. Inheritance: Both sporadic and heritable forms are tested..

Submission:

Labcorp Genetics (formerly Invitae), Labcorp
Classification: Uncertain significance for Retinoblastoma. Last evaluated: 2025-02-19. Review status: criteria provided, single submitter. Criteria: Invitae Variant Classification Sherloc (09022015). Collection method: clinical testing. Allele origin: germline.
Comment: This variant occurs in a non-coding region of the RB1 gene. It does not change the encoded amino acid sequence of the RB1 protein. This variant is not present in population databases (gnomAD no frequency). This variant has not been reported in the literature in individuals affected with RB1-related conditions. In summary, the available evidence is currently insufficient to determine the role of this variant in disease. Therefore, it has been classified as a Variant of Uncertain Significance.

NM_000321.3(RB1):c.-124G>C

Gene: RB1 (RB transcriptional corepressor 1; plus strand). Cytogenetic location: 13q14.2.
Variant type: single nucleotide variant.
Coding change: c.-124G>C on transcript NM_000321.3 (MANE Select); 124 bases upstream of the start codon, G replaced by C.
Molecular consequence: 5 prime UTR variant.
Genome position (GRCh38, 1-based): chr13:48,303,789, G>C. VCF-style: chr13-48303789-G-C. GRCh37 (hg19) VCF-style: chr13-48877925-G-C.
Other names: c.-124G>C (NM_001407165.1, NM_001407166.1, NM_001407167.1).
Identifiers: ClinVar variation 4811616 (VCV004811616.1).